The following is an entry in ClinVar:

ClinVar aggregate classification (germline): Uncertain significance (1 of 4 stars; one submission).

Conditions:
XYLT2-related disorder. Also called: XYLT2-related condition.

Submission:

PreventionGenetics, part of Exact Sciences
Classification: Uncertain significance for XYLT2-related condition. Last evaluated: 2026-01-05. Review status: criteria provided, single submitter. Criteria: ACMG Guidelines, 2015. Collection method: clinical testing. Allele origin: germline.
Comment: The XYLT2 c.1936C>G variant is predicted to result in the amino acid substitution p.Leu646Val. To our knowledge, this variant has not been reported in the literature. This variant is reported in 0.0032% of alleles in individuals of Latino descent in gnomAD. At this time, the clinical significance of this variant is uncertain due to the absence of conclusive functional and genetic evidence.

NM_022167.4(XYLT2):c.1936C>G (p.Leu646Val)

Gene: XYLT2 (xylosyltransferase 2; plus strand). Cytogenetic location: 17q21.33.
Variant type: single nucleotide variant.
Coding change: c.1936C>G on transcript NM_022167.4 (MANE Select); coding-DNA position 1936, C replaced by G.
Protein change: p.Leu646Val; replaces leucine 646 with valine.
Molecular consequence: missense variant.
Genome position (GRCh38, 1-based): chr17:50,357,247, C>G. VCF-style: chr17-50357247-C-G. GRCh37 (hg19) VCF-style: chr17-48434608-C-G.
Other names: short protein forms L646V.
Identifiers: ClinVar variation 4990314 (VCV004990314.1).